The following is an entry in ClinVar:

NM_002103.5(GYS1):c.967A>G (p.Thr323Ala)

Gene: GYS1 (glycogen synthase 1; minus strand). Cytogenetic location: 19q13.33.
Variant type: single nucleotide variant.
Coding change: c.967A>G on transcript NM_002103.5 (MANE Select); coding-DNA position 967, A replaced by G.
Protein change: p.Thr323Ala; replaces threonine 323 with alanine.
Molecular consequence: missense variant. On other transcripts: non-coding transcript variant (1).
Genome position (GRCh38, 1-based): chr19:48,982,350, T>C on the plus strand (A>G on the coding strand, the complement: GYS1 is on the minus strand). VCF-style: chr19-48982350-T-C. GRCh37 (hg19) VCF-style: chr19-49485607-T-C.
Other names: p.Thr323Ala; c.775A>G, p.Thr259Ala (NM_001161587.2); short protein forms T323A, T259A.
Identifiers: ClinVar variation 4542360 (VCV004542360.1).
Genomic context (GRCh38, chr19:48,982,350, plus strand): 5'-GGAAGACGTCAGCACCCTTGTTGGAGAACTCATAGCGGCCGGCGATAAAGAAGTATAAGG[T>C]CTTGTCCAAGTTGAAGTCCAGATGCCTAAAGAACCCACAAGGCACGGTAAAGCCCAAAGC-3'
Protein context (NP_002094.2, residues 313-333): YGHLDFNLDK[Thr323Ala]LYFFIAGRYE

ClinVar aggregate classification (germline): Uncertain significance (1 of 4 stars; one submission).

gnomAD v4.1: 2 of 1,613,758 alleles (0.00012%); highest among the groups gnomAD compares: Non-Finnish European, 0.00017%; no homozygotes.

Submission:

Mayo Clinic Laboratories, Mayo Clinic
Classification: Uncertain significance. Last evaluated: 2025-05-08. Review status: criteria provided, single submitter. Criteria: ACMG Guidelines, 2015. Collection method: clinical testing. Allele origin: germline. Observed: 1 variant allele.
Comment: PM2_supporting